The following is an entry in ClinVar:

ClinVar aggregate classification (germline): Uncertain significance (1 of 4 stars; one submission).

Conditions:
Spermatogenic failure 8 (SPGF8). Identifiers: MedGen C3151406, MONDO:0013504, OMIM 613957.
46,XY sex reversal 3. Also called: NR5A1-related 46,XY complete gonadal dysgenesis; 46,XY SEX REVERSAL, PARTIAL OR COMPLETE, NR5A1-RELATED; 46,XY GONADAL DYSGENESIS, PARTIAL OR COMPLETE, WITH OR WITHOUT ADRENAL FAILURE; DISORDER OF SEX DEVELOPMENT, 46,XY, NR5A1-RELATED; SEX REVERSAL, XY, WITH OR WITHOUT ADRENAL FAILURE. Identifiers: MedGen C3489793, MONDO:0013066, OMIM 612965.
46,XX sex reversal 4 (SRXX4). Also called: 46,XX SEX REVERSAL, SRY-NEGATIVE; 46, XX sex reversal 4. Identifiers: MedGen C4479552, MONDO:0060489, OMIM 617480.
Premature ovarian failure 7 (POF7). Identifiers: MedGen C2751825, MONDO:0013065, OMIM 612964.

Submission:

Juno Genomics, Hangzhou Juno Genomics, Inc
Classification: Uncertain significance for 46,XX sex reversal 4; 46,XY sex reversal 3; Premature ovarian failure 7; Spermatogenic failure 8. Review status: criteria provided, single submitter. Criteria: ACMG Guidelines, 2015. Collection method: clinical testing. Allele origin: germline. Affected: yes.
Comment: Absent from controls (or at extremely low frequency if recessive) in Genome Aggregation Database, Exome Sequencing Project, 1000 Genomes Project, or Exome Aggregation Consortium.;Multiple lines of computational evidence support a deleterious effect on the gene or gene product (conservation, evolutionary, splicing impact, etc).

NM_004959.5(NR5A1):c.1358T>G (p.Ile453Ser)

Gene: NR5A1 (nuclear receptor subfamily 5 group A member 1; minus strand). Cytogenetic location: 9q33.3.
Variant type: single nucleotide variant.
Coding change: c.1358T>G on transcript NM_004959.5 (MANE Select); coding-DNA position 1358, T replaced by G.
Protein change: p.Ile453Ser; replaces isoleucine 453 with serine.
Molecular consequence: missense variant.
Genome position (GRCh38, 1-based): chr9:124,482,786, A>C on the plus strand (T>G on the coding strand, the complement: NR5A1 is on the minus strand). VCF-style: chr9-124482786-A-C. GRCh37 (hg19) VCF-style: chr9-127245065-A-C.
Other names: short protein forms I453S.
Identifiers: ClinVar variation 4796609 (VCV004796609.1).